The following is an entry in ClinVar:

ClinVar aggregate classification (germline): Uncertain significance (1 of 4 stars; one submission).

Conditions:
GNAS-related disorder. Identifiers: MedGen CN380105.

gnomAD v4.1: 9 of 1,601,660 alleles (0.00056%); highest among the groups gnomAD compares: Non-Finnish European, 0.00077%; no homozygotes.

Submission:

PreventionGenetics, part of Exact Sciences
Classification: Uncertain significance for GNAS-related condition. Last evaluated: 2026-03-24. Review status: criteria provided, single submitter. Criteria: ACMG Guidelines, 2015. Collection method: clinical testing. Allele origin: germline.
Comment: The GNAS c.629C>T variant is predicted to result in the amino acid substitution p.Ala210Val. To our knowledge, this variant has not been reported in the literature. This variant is reported in 0.0010% of alleles in individuals of European (Non-Finnish) descent in gnomAD. At this time, the clinical significance of this variant is uncertain due to the absence of conclusive functional and genetic evidence.

NM_080425.4(GNAS):c.629C>T (p.Ala210Val)

Gene: GNAS (GNAS complex locus; plus strand). Cytogenetic location: 20q13.32.
Variant type: single nucleotide variant.
Coding change: c.629C>T on transcript NM_080425.4 (MANE Plus Clinical); coding-DNA position 629, C replaced by T.
Protein change: p.Ala210Val; replaces alanine 210 with valine.
Molecular consequence: missense variant. On other transcripts: synonymous variant (2), intron variant (3).
Genome position (GRCh38, 1-based): chr20:58,853,894, C>T. VCF-style: chr20-58853894-C-T. GRCh37 (hg19) VCF-style: chr20-57428949-C-T.
Other names: c.442C>T, p.Leu148= (NM_001077490.3, NM_001309883.1); c.629C>T, p.Ala210Val (NM_001410913.1); c.*42+13008C>T (NM_016592.5); c.43+13008C>T (NM_001410912.1); c.-39+12019C>T (NM_001309861.2); short protein forms A210V.
Identifiers: ClinVar variation 4980806 (VCV004980806.1).